The following is an entry in ClinVar:

ClinVar aggregate classification (germline): Likely benign (1 of 4 stars; one submission).

Submission:

Women's Health and Genetics/Laboratory Corporation of America, LabCorp
Classification: Likely benign. Last evaluated: 2025-09-05. Review status: criteria provided, single submitter. Criteria: LabCorp Variant Classification Summary - May 2015. Collection method: clinical testing. Allele origin: germline.
Comment: Variant summary: DDX11 c.94C>A alters a non-conserved nucleotide resulting in a synonymous change. Consensus agreement among computation tools predict no significant impact on normal splicing. However, these predictions have yet to be confirmed by functional studies. The variant allele was found at a frequency of 4e-06 in 250012 control chromosomes. The available data on variant occurrences in the general population are insufficient to allow any conclusion about variant significance. To our knowledge, no occurrence of c.94C>A in individuals affected with DDX11-related conditions and no experimental evidence demonstrating its impact on protein function have been reported. No submitters have cited clinical-significance assessments for this variant to ClinVar. Based on the evidence outlined above, the variant was classified as likely benign.

NM_030653.4(DDX11):c.94C>A (p.Arg32=)

Gene: DDX11 (DEAD/H-box helicase 11; plus strand). Cytogenetic location: 12p11.21.
Variant type: single nucleotide variant.
Coding change: c.94C>A on transcript NM_030653.4 (MANE Select); coding-DNA position 94, C replaced by A.
Protein change: p.Arg32=; no amino-acid change (arginine 32 retained).
Molecular consequence: synonymous variant. On other transcripts: 5 prime UTR variant (4), non-coding transcript variant (4), intron variant (1).
Genome position (GRCh38, 1-based): chr12:31,078,487, C>A. VCF-style: chr12-31078487-C-A. GRCh37 (hg19) VCF-style: chr12-31231421-C-A.
Other names: c.94C>A, p.Arg32= (NM_001257144.2, NM_001413692.1, NM_001413693.1 and 6 more transcripts); c.16C>A, p.Arg6= (NM_001257145.2, NM_001413697.1, NM_001413698.1 and 1 more transcripts); c.-281C>A (NM_001413702.1); c.-967C>A (NM_001413704.1, NM_001413705.1); c.-785C>A (NM_001413706.1); c.-385+4160C>A (NM_001413703.1).
Identifiers: ClinVar variation 4535703 (VCV004535703.1).